The following is an entry in ClinVar:

NM_004380.3(CREBBP):c.1146C>G (p.Leu382=)

Gene: CREBBP (CREB binding protein; minus strand). Cytogenetic location: 16p13.3.
Variant type: single nucleotide variant.
Coding change: c.1146C>G on transcript NM_004380.3 (MANE Select); coding-DNA position 1146, C replaced by G.
Protein change: p.Leu382=; no amino-acid change (leucine 382 retained).
Molecular consequence: synonymous variant.
Genome position (GRCh38, 1-based): chr16:3,793,456, G>C on the plus strand (C>G on the coding strand, the complement: CREBBP is on the minus strand). VCF-style: chr16-3793456-G-C. GRCh37 (hg19) VCF-style: chr16-3843457-G-C.
Other names: c.1146C>G, p.Leu382= (NM_001079846.1).
Identifiers: ClinVar variation 3366692 (VCV003366692.1).

ClinVar aggregate classification (germline): Likely benign (1 of 4 stars; one submission).

gnomAD v4.1: 1 of 1,614,070 alleles (0.000062%); no homozygotes.

Submission:

Women's Health and Genetics/Laboratory Corporation of America, LabCorp
Classification: Likely benign. Last evaluated: 2024-08-21. Review status: criteria provided, single submitter. Criteria: LabCorp Variant Classification Summary - May 2015. Collection method: clinical testing. Allele origin: germline.
Comment: Variant summary: CREBBP c.1146C>G alters a non-conserved nucleotide resulting in a synonymous change. Consensus agreement among computation tools predict no significant impact on normal splicing. However, these predictions have yet to be confirmed by functional studies. The variant was absent in 251492 control chromosomes. The available data on variant occurrences in the general population are insufficient to allow any conclusion about variant significance. To our knowledge, no occurrence of c.1146C>G in individuals affected with Rubinstein-Taybi Syndrome and no experimental evidence demonstrating its impact on protein function have been reported. No submitters have cited clinical-significance assessments for this variant to ClinVar. Based on the evidence outlined above, the variant was classified as likely benign.